The following is an entry in ClinVar:

NM_201253.3(CRB1):c.3708_3709dup (p.Ser1237fs)

Gene: CRB1 (crumbs cell polarity complex component 1; plus strand). Cytogenetic location: 1q31.3.
Variant type: Duplication.
Coding change: c.3708_3709dup on transcript NM_201253.3 (MANE Select); coding-DNA positions 3708 to 3709, 2 bases duplicated (TT; older notation c.3708_3709dupTT).
Protein change: p.Ser1237fs; shifts the reading frame from serine 1237.
Molecular consequence: frameshift variant. On other transcripts: non-coding transcript variant (2), intron variant (1).
Genome position (GRCh38, 1-based): chr1:197,435,571-197,435,572, TT duplicated. VCF-style (leftmost placement, unchanged base first): chr1-197435570-A-ATT. GRCh37 (hg19) VCF-style: chr1-197404700-A-ATT.
Other names: c.3372_3373dup, p.Ser1125fs (NM_001193640.2); c.3636_3637dup, p.Ser1213fs (NM_001257965.2); c.2129-29_2129-28dup (NM_001257966.2); short protein forms S1237fs, S1125fs, S1213fs.
Identifiers: ClinVar variation 2060368 (VCV002060368.4), dbSNP rs2528205271, ClinGen allele CA2580061941.

ClinVar aggregate classification (germline): Pathogenic (1 of 4 stars; one submission).

Conditions:
Leber congenital amaurosis 8 (LCA8). Identifiers: Orphanet 65, MedGen C3151202, MONDO:0013453, OMIM 613835.
Retinitis pigmentosa 12 (RP12). Also called: RP WITH OR WITHOUT PPRPE; RP WITH OR WITHOUT PRESERVED PARAARTERIOLE RETINAL PIGMENT EPITHELIUM; RETINITIS PIGMENTOSA WITH OR WITHOUT PARAARTERIOLAR PRESERVATION OF RETINAL PIGMENT EPITHELIUM. Identifiers: Orphanet 791, MedGen C1838647, MONDO:0010818, OMIM 600105.

Submission:

Labcorp Genetics (formerly Invitae), Labcorp
Classification: Pathogenic for Leber congenital amaurosis 8; Retinitis pigmentosa 12. Last evaluated: 2021-12-25. Review status: criteria provided, single submitter. Criteria: Invitae Variant Classification Sherloc (09022015). Collection method: clinical testing. Allele origin: germline.
Comment: For these reasons, this variant has been classified as Pathogenic. This variant has not been reported in the literature in individuals affected with CRB1-related conditions. This variant is not present in population databases (gnomAD no frequency). This sequence change creates a premature translational stop signal (p.Ser1237Phefs*46) in the CRB1 gene. It is expected to result in an absent or disrupted protein product. Loss-of-function variants in CRB1 are known to be pathogenic (PMID: 10508521, 22065545, 23379534, 25412400, 26957898, 28041643, 29391521).

Literature cited by the submitters: PubMed 10508521; PubMed 22065545; PubMed 23379534; PubMed 25412400; PubMed 26957898; PubMed 28041643; PubMed 29391521.